The following is an entry in ClinVar:

ClinVar aggregate classification (germline): Likely pathogenic (1 of 4 stars; one submission).

Conditions:
Galactosemia. Also called: Galactose intolerance. Identifiers: Orphanet 352, MedGen C0016952, MONDO:0018116, HP:0004919. Disease mechanism: loss of function.

Submission:

Natera, Inc.
Classification: Likely pathogenic for Galactosemia. Last evaluated: 2024-11-23. Review status: criteria provided, single submitter. Criteria: Natera Variant Classification Schema (03/2026). Collection method: clinical testing. Allele origin: germline.
Comment: The c.247G>T variant in GALT is a nonsense variant predicted to introduce a stop codon at amino acid 83. This variant is expected to result in nonsense mediated decay, truncation, or a dysfunctional protein product. This variant is rare in the general population with a frequency below the threshold expected for the associated phenotype(s). Given the available evidence, this variant is classified as Likely Pathogenic.

NM_000155.4(GALT):c.247G>T (p.Gly83Ter)

Genes: GALT (galactose-1-phosphate uridylyltransferase; plus strand), LOC130001683 (ATAC-STARR-seq lymphoblastoid active region 28314; plus strand). Cytogenetic location: 9p13.3.
Variant type: single nucleotide variant.
Coding change: c.247G>T on transcript NM_000155.4 (MANE Select); coding-DNA position 247, G replaced by T.
Protein change: p.Gly83Ter; replaces glycine 83 with a stop codon.
Molecular consequence: nonsense. On other transcripts: synonymous variant (1).
Genome position (GRCh38, 1-based): chr9:34,647,253, G>T. VCF-style: chr9-34647253-G-T. GRCh37 (hg19) VCF-style: chr9-34647250-G-T.
Other names: c.45G>T, p.Thr15= (NM_001258332.2); short protein forms G83*.
Identifiers: ClinVar variation 4817622 (VCV004817622.1).
Genomic context (GRCh38, chr9:34,647,253, plus strand): 5'-AAGACAGTGCCCCGCCATGACCCTCTCAACCCTCTGTGTCCTGGGGCCATCCGAGCCAAC[G>T]GAGAGGTAAGCCTGTAGAGCCCTGCATCTGCAGGCTGGGCCACGGGGAGTAGTTCCCTCT-3'